The following is an entry in ClinVar:

ClinVar aggregate classification (germline): Uncertain significance (1 of 4 stars; one submission).

Submission:

Labcorp Genetics (formerly Invitae), Labcorp
Classification: Uncertain significance. Last evaluated: 2022-07-27. Review status: criteria provided, single submitter. Criteria: Invitae Variant Classification Sherloc (09022015). Collection method: clinical testing. Allele origin: germline.
Comment: In summary, the available evidence is currently insufficient to determine the role of this variant in disease. Therefore, it has been classified as a Variant of Uncertain Significance. This variant has not been reported in the literature in individuals affected with CSGALNACT1-related conditions. This variant results in a copy number gain of the genomic region encompassing exon(s) 4 of the CSGALNACT1 gene. This region includes the initiator codon of the gene. This copy number gain extends beyond the assayed region for this gene and therefore may encompass additional genes. As the precise location of this event is unknown, it may be in tandem or it may be located elsewhere in the genome.

NC_000008.10:g.(?_19362692)_(19363345_?)dup

Gene: CSGALNACT1 (chondroitin sulfate N-acetylgalactosaminyltransferase 1; minus strand). Cytogenetic location: 8p21.3.
Variant type: Duplication.
Identifiers: ClinVar variation 2423791 (VCV002423791.4).